The following is an entry in ClinVar:

ClinVar aggregate classification (germline): Uncertain significance (3 of 4 stars; one submission).

Conditions:
Glanzmann thrombasthenia. Also called: PLATELET GLYCOPROTEIN IIb-IIIa DEFICIENCY; BLEEDING DISORDER, PLATELET-TYPE, 2; THROMBASTHENIA OF GLANZMANN AND NAEGELI; Thrombasthenia; Glanzmann's thrombasthenia. Identifiers: Orphanet 849, MedGen C0040015, MONDO:0100326.

Submission:

ClinGen Platelet Disorders Variant Curation Expert Panel, ClinGen
Classification: Uncertain significance for Glanzmann thrombasthenia. Last evaluated: 2024-12-17. Review status: reviewed by expert panel. Criteria: ClinGen Platelet ACMG Specifications v2-1. Collection method: curation. Allele origin: germline. Inheritance: Autosomal recessive inheritance.
Comment: The NM_000212.3:c.92G>A variant in ITGB3 is a missense variant predicted to cause substitution of cysteine by tyrosine at amino acid 31 (p.Cys31Tyr). This variant has been observed in homozygosity in one individual (GT39 in PMID: 19691478) (PM3_Supporting). This individual displayed mucocutaneous bleeding and impaired aggregation with all agonists except ristocetin, which is highly specific for Glanzmann thrombasthenia (PP4_Moderate). This variant is absent from gnomAD v4.1 (PM2_Supporting). The computational predictor REVEL gives a score of 0.848, which is above the ClinGen Platelet Disorders VCEP threshold of >0.7 and predicts a damaging effect on function (PP3). In summary, due to insufficient evidence, this variant is classified as a variant of uncertain significance for autosomal recessive Glanzmann Thrombasthenia based on the ACMG/AMP criteria applied, as specified by the ClinGen PD-VCEP: PM2_Supporting, PM3_Supporting, PP3, PP4_Moderate. (VCEP specifications version 2)

NM_000212.3(ITGB3):c.92G>A (p.Cys31Tyr)

Gene: ITGB3 (integrin subunit beta 3; plus strand). Cytogenetic location: 17q21.32.
Variant type: single nucleotide variant.
Coding change: c.92G>A on transcript NM_000212.3 (MANE Select); coding-DNA position 92, G replaced by A.
Protein change: p.Cys31Tyr; replaces cysteine 31 with tyrosine.
Molecular consequence: missense variant.
Genome position (GRCh38, 1-based): chr17:47,274,431, G>A. VCF-style: chr17-47274431-G-A. GRCh37 (hg19) VCF-style: chr17-45351797-G-A.
Other names: NM_000212.3:c.92G>A; short protein forms C31Y.
Identifiers: ClinVar variation 1879039 (VCV001879039.2), dbSNP rs2547613534, ClinGen allele CA400031593.